The following is an entry in ClinVar:

ClinVar aggregate classification (germline): Uncertain significance. Review status: criteria provided, multiple submitters, no conflicts (2 of 4 stars). 4 submissions from 4 submitters: Uncertain significance (4). Last evaluated 2025-01-10.

Conditions:
Hereditary cancer-predisposing syndrome. Also called: Neoplastic Syndromes, Hereditary; Tumor predisposition; Hereditary Cancer Syndrome; Hereditary neoplastic syndrome. Identifiers: Orphanet 140162, MedGen C0027672, MeSH D009386, MONDO:0015356.
Fanconi anemia, complementation group S (FANCS). Identifiers: MedGen C4554406, MONDO:0054748, OMIM 617883.
Hereditary breast ovarian cancer syndrome. Also called: BRCA1- and BRCA2-Associated Hereditary Breast and Ovarian Cancer; Hereditary breast and ovarian cancer syndrome; Hereditary breast and ovarian cancer; Hereditary breast and ovarian cancer syndrome (HBOC); Breast and ovarian cancer; Hereditary breast and/or ovarian cancer syndrome. Identifiers: Orphanet 145, MedGen C0677776, MeSH D061325, MONDO:0003582. Disease mechanism: loss of function.

Allele frequency attached by ClinVar (database versions not stated): gnomAD exomes below 0.00001.
gnomAD v4.1: 3 of 1,614,168 alleles (0.00019%); highest among the groups gnomAD compares: South Asian, 0.0022%; no homozygotes.

Submissions (4):

Quest Diagnostics Nichols Institute San Juan Capistrano
Classification: Uncertain significance. Last evaluated: 2025-01-10. Review status: criteria provided, single submitter. Criteria: Quest Diagnostics criteria. Collection method: clinical testing. Allele origin: unknown.
Comment: The frequency of this variant in the general population (Genome Aggregation Database) is uninformative in the assessment of its pathogenicity. Analysis of this variant using bioinformatics tools for the prediction of the effect of amino acid changes on protein structure and function yielded conflicting predictions that this variant is deleterious or benign. Based on the available information, we are unable to determine the clinical significance of this variant.

Department of Pathology and Laboratory Medicine, Sinai Health System
Classification: Uncertain significance for Fanconi anemia, complementation group S. Last evaluated: 2023-04-28. Review status: criteria provided, single submitter. Criteria: ACMG Guidelines, 2015. Collection method: clinical testing. Allele origin: germline. Affected: yes.

Labcorp Genetics (formerly Invitae), Labcorp
Classification: Uncertain significance for Hereditary breast ovarian cancer syndrome. Last evaluated: 2021-07-25. Review status: criteria provided, single submitter. Criteria: Invitae Variant Classification Sherloc (09022015). Collection method: clinical testing. Allele origin: germline.
Comment: In summary, the available evidence is currently insufficient to determine the role of this variant in disease. Therefore, it has been classified as a Variant of Uncertain Significance. Advanced modeling of protein sequence and biophysical properties (such as structural, functional, and spatial information, amino acid conservation, physicochemical variation, residue mobility, and thermodynamic stability) performed at Invitae indicates that this missense variant is not expected to disrupt BRCA1 protein function. ClinVar contains an entry for this variant (Variation ID: 231566). This variant has been observed in individual(s) with breast cancer (PMID: 28231738). This variant is not present in population databases (ExAC no frequency). This sequence change replaces tyrosine with cysteine at codon 1429 of the BRCA1 protein (p.Tyr1429Cys). The tyrosine residue is weakly conserved and there is a large physicochemical difference between tyrosine and cysteine.

Ambry Genetics
Classification: Uncertain significance for Hereditary cancer-predisposing syndrome. Last evaluated: 2015-11-17. Review status: criteria provided, single submitter. Criteria: Ambry Variant Classification Scheme 2023. Collection method: clinical testing. Allele origin: germline.
Comment: The p.Y1429C variant (also known as c.4286A>G), located in coding exon 11 of the BRCA1 gene, results from an A to G substitution at nucleotide position 4286. The tyrosine at codon 1429 is replaced by cysteine, an amino acid with highly dissimilar properties. This variant was not reported in population based cohorts in the following databases: Database of Single Nucleotide Polymorphisms (dbSNP), NHLBI Exome Sequencing Project (ESP), and 1000 Genomes Project. In the ESP, this variant was not observed in 6503 samples (13006 alleles) with coverage at this position. To date, this alteration has been detected with an allele frequency of approximately 0.001% (greater than 225000 alleles tested) in our clinical cohort. This amino acid position is poorly conserved in available vertebrate species. In addition, this alteration is predicted to be tolerated by in silico analysis. Since supporting evidence is limited at this time, the clinical significance of p.Y1429C remains unclear.

Literature cited by the submitters: PubMed 28231738 (cited by 3 submitters); PubMed 31853058 (cited by Quest Diagnostics Nichols Institute San Juan Capistrano).

NM_007294.4(BRCA1):c.4286A>G (p.Tyr1429Cys)

Gene: BRCA1 (BRCA1 DNA repair associated; minus strand). Cytogenetic location: 17q21.31.
Variant type: single nucleotide variant.
Coding change: c.4286A>G on transcript NM_007294.4 (MANE Select); coding-DNA position 4286, A replaced by G.
Protein change: p.Tyr1429Cys; replaces tyrosine 1429 with cysteine.
Molecular consequence: missense variant. On other transcripts: non-coding transcript variant (1).
Genome position (GRCh38, 1-based): chr17:43,082,475, T>C on the plus strand (A>G on the coding strand, the complement: BRCA1 is on the minus strand). VCF-style: chr17-43082475-T-C. GRCh37 (hg19) VCF-style: chr17-41234492-T-C.
Other names: c.851A>G, p.Tyr284Cys (NM_001408433.1, NM_001408434.1, NM_001408435.1 and 10 more transcripts); c.854A>G, p.Tyr285Cys (NM_001408436.1, NM_001408437.1, NM_001408438.1 and 8 more transcripts); c.842A>G, p.Tyr281Cys (NM_001408451.1); c.836A>G, p.Tyr279Cys (NM_001408452.1, NM_001408453.1, NM_001408454.1 and 8 more transcripts); c.833A>G, p.Tyr278Cys (NM_001408462.1, NM_001408463.1, NM_001408464.1 and 5 more transcripts); c.830A>G, p.Tyr277Cys (NM_001408470.1); c.974A>G, p.Tyr325Cys (NM_001408472.1, NM_001408473.1, NM_001407972.1 and 18 more transcripts); c.776A>G, p.Tyr259Cys (NM_001408474.1, NM_001408476.1); and 51 more; short protein forms Y1429C, Y1382C, Y326C, Y1133C, Y1301C, Y1316C, Y1317C, Y1341C.
Identifiers: ClinVar variation 231566 (VCV000231566.16), dbSNP rs876659228, ClinGen allele CA10580526.